The following is an entry in ClinVar:

NM_005591.4(MRE11):c.315-2A>G

Gene: MRE11 (MRE11 double strand break repair nuclease; minus strand). Cytogenetic location: 11q21.
Variant type: single nucleotide variant.
Coding change: c.315-2A>G on transcript NM_005591.4 (MANE Select); the canonical splice acceptor site of the intron before coding-DNA position 315, A replaced by G.
Molecular consequence: splice acceptor variant.
Genome position (GRCh38, 1-based): chr11:94,479,763, T>C on the plus strand (A>G on the coding strand, the complement: MRE11 is on the minus strand). VCF-style: chr11-94479763-T-C. GRCh37 (hg19) VCF-style: chr11-94212929-T-C.
Other names: c.315-2A>G (NM_001330347.2, NM_005590.4).
Identifiers: ClinVar variation 231415 (VCV000231415.42), dbSNP rs876659145, ClinGen allele CA10579416.

ClinVar aggregate classification (germline): Likely pathogenic. Review status: criteria provided, multiple submitters, no conflicts (2 of 4 stars). 6 submissions from 6 submitters: Likely pathogenic (6). Last evaluated 2025-08-25.

Conditions:
MRE11A-related disorders.
Ataxia-telangiectasia-like disorder (ATLD). Identifiers: MedGen C1858391, MONDO:0011457.
Hereditary cancer-predisposing syndrome. Also called: Neoplastic Syndromes, Hereditary; Hereditary Cancer Syndrome; Tumor predisposition; Hereditary neoplastic syndrome. Identifiers: Orphanet 140162, MedGen C0027672, MeSH D009386, MONDO:0015356.
Hereditary breast ovarian cancer syndrome. Also called: BRCA1- and BRCA2-Associated Hereditary Breast and Ovarian Cancer; Hereditary breast and ovarian cancer syndrome (HBOC); Hereditary breast and ovarian cancer syndrome; Hereditary breast and ovarian cancer; Hereditary breast and/or ovarian cancer syndrome; Breast and ovarian cancer. Identifiers: Orphanet 145, MedGen C0677776, MeSH D061325, MONDO:0003582. Disease mechanism: loss of function.
Ataxia-telangiectasia-like disorder 1 (ATLD1). Identifiers: Orphanet 251347, MedGen C4012790, MONDO:0024557, OMIM 604391.

Allele frequency attached by ClinVar (database versions not stated): gnomAD exomes below 0.00001 and 0.00001; TOPMed below 0.00001; gnomAD 0.00001.
gnomAD v4.1: 4 of 1,608,660 alleles (0.00025%); highest among the groups gnomAD compares: Non-Finnish European, 0.00034%; no homozygotes.

Submissions (6):

Labcorp Genetics (formerly Invitae), Labcorp
Classification: Likely pathogenic for Ataxia-telangiectasia-like disorder. Last evaluated: 2025-08-25. Review status: criteria provided, single submitter. Criteria: Invitae Variant Classification Sherloc (09022015). Collection method: clinical testing. Allele origin: germline.
Comment: This sequence change affects an acceptor splice site in intron 4 of the MRE11 gene. It is expected to disrupt RNA splicing. Variants that disrupt the donor or acceptor splice site typically lead to a loss of protein function (PMID: 16199547), and loss-of-function variants in MRE11 are known to be pathogenic (PMID: 23080121, 23912341). The frequency data for this variant in the population databases is considered unreliable, as metrics indicate poor data quality at this position in the gnomAD database. This variant has not been reported in the literature in individuals affected with MRE11-related conditions. ClinVar contains an entry for this variant (Variation ID: 231415). Algorithms developed to predict the effect of sequence changes on RNA splicing suggest that this variant may disrupt the consensus splice site. In summary, the currently available evidence indicates that the variant is pathogenic, but additional data are needed to prove that conclusively. Therefore, this variant has been classified as Likely Pathogenic.

Blueprint Genetics
Classification: Likely pathogenic for MRE11A-related disorders. Last evaluated: 2024-11-11. Review status: criteria provided, single submitter. Criteria: ACMG Guidelines, 2015. Collection method: clinical testing. Allele origin: germline. Affected: yes. Observed: 2 variant alleles.

Baylor Genetics
Classification: Likely pathogenic for Ataxia-telangiectasia-like disorder 1. Last evaluated: 2024-02-14. Review status: criteria provided, single submitter. Criteria: ACMG Guidelines, 2015. Collection method: clinical testing. Allele origin: unknown.

CeGaT Center for Human Genetics Tuebingen
Classification: Likely pathogenic. Last evaluated: 2022-04-01. Review status: criteria provided, single submitter. Criteria: CeGaT Center For Human Genetics Tuebingen Variant Classification Criteria Version 2. Collection method: clinical testing. Allele origin: germline. Affected: yes. Observed: 1 variant allele.
Comment: MRE11: PVS1

Women's Health and Genetics/Laboratory Corporation of America, LabCorp
Classification: Likely pathogenic for Hereditary breast ovarian cancer syndrome. Last evaluated: 2022-03-01. Review status: criteria provided, single submitter. Criteria: LabCorp Variant Classification Summary - May 2015. Collection method: clinical testing. Allele origin: germline.
Comment: Variant summary: MRE11 c.315-2A>G is located in a canonical splice-site and is predicted to affect mRNA splicing resulting in a significantly altered protein due to either exon skipping, shortening, or inclusion of intronic material. Several computational tools predict a significant impact on normal splicing: Four predict the variant abolishes a canonical 3 acceptor site and creates a new cryptic intronic one. However, these predictions have yet to be confirmed by functional studies. The variant allele was found at a frequency of 8.2e-06 in 245086 control chromosomes (gnomAD). c.315-2A>G has been reported in the literature in an individual with a personal and/or family history suggestive of Hereditary Breast And Ovarian Cancer Syndrome (Grasel_2020). To our knowledge, no experimental evidence demonstrating an impact on protein function has been reported. A ClinVar submitter (evaluation after 2014) cites the variant as likely pathogenic. Based on the evidence outlined above, the variant was classified as likely pathogenic.

Ambry Genetics
Classification: Likely pathogenic for Hereditary cancer-predisposing syndrome. Last evaluated: 2020-07-21. Review status: criteria provided, single submitter. Criteria: Ambry Variant Classification Scheme 2023. Collection method: clinical testing. Allele origin: germline.
Comment: The c.315-2A>G intronic variant results from an A to G substitution two nucleotides upstream from coding exon 4 in the MRE11A gene. In silico splice site analysis predicts that this alteration will weaken the native splice acceptor site and will result in the creation or strengthening of a novel splice acceptor site. Alterations that disrupt the canonical splice site are expected to cause aberrant splicing, resulting in an abnormal protein or a transcript that is subject to nonsense-mediated mRNA decay. As such, this alteration is classified as likely pathogenic.

Literature cited by the submitters: PubMed 16199547 (cited by Labcorp Genetics (formerly Invitae), Labcorp); PubMed 23080121 (cited by Labcorp Genetics (formerly Invitae), Labcorp); PubMed 23912341 (cited by Labcorp Genetics (formerly Invitae), Labcorp); PubMed 33134171 (cited by Women's Health and Genetics/Laboratory Corporation of America, LabCorp).